The following is an entry in ClinVar:

NM_000465.4(BARD1):c.2114G>C (p.Arg705Thr)

Gene: BARD1 (BRCA1 associated RING domain 1; minus strand). Cytogenetic location: 2q35.
Variant type: single nucleotide variant.
Coding change: c.2114G>C on transcript NM_000465.4 (MANE Select); coding-DNA position 2114, G replaced by C.
Protein change: p.Arg705Thr; replaces arginine 705 with threonine.
Molecular consequence: missense variant. On other transcripts: non-coding transcript variant (3).
Genome position (GRCh38, 1-based): chr2:214,728,896, C>G on the plus strand (G>C on the coding strand, the complement: BARD1 is on the minus strand). VCF-style: chr2-214728896-C-G. GRCh37 (hg19) VCF-style: chr2-215593620-C-G.
Other names: c.2057G>C, p.Arg686Thr (NM_001282543.2); c.761G>C, p.Arg254Thr (NM_001282545.2); c.704G>C, p.Arg235Thr (NM_001282548.2); c.575G>C, p.Arg192Thr (NM_001282549.2); short protein forms R235T, R705T, R686T, R192T, R254T.
Identifiers: ClinVar variation 1492755 (VCV001492755.7), dbSNP rs2105987389, ClinGen allele CA350450592.

ClinVar aggregate classification (germline): Uncertain significance (1 of 4 stars; one submission).

Conditions:
Familial cancer of breast. Also called: BREAST CANCER, FAMILIAL; Hereditary breast cancer; hereditary breast carcinoma. Identifiers: Orphanet 227535, MedGen C0346153, MONDO:0016419, OMIM 114480. Disease mechanism: loss of function.

Submission:

Labcorp Genetics (formerly Invitae), Labcorp
Classification: Uncertain significance for Familial cancer of breast. Last evaluated: 2021-09-25. Review status: criteria provided, single submitter. Criteria: Invitae Variant Classification Sherloc (09022015). Collection method: clinical testing. Allele origin: germline.
Comment: In summary, the available evidence is currently insufficient to determine the role of this variant in disease. Therefore, it has been classified as a Variant of Uncertain Significance. Algorithms developed to predict the effect of missense changes on protein structure and function (SIFT, PolyPhen-2, Align-GVGD) all suggest that this variant is likely to be disruptive. This variant has not been reported in the literature in individuals affected with BARD1-related conditions. This variant is not present in population databases (ExAC no frequency). This sequence change replaces arginine with threonine at codon 705 of the BARD1 protein (p.Arg705Thr). The arginine residue is highly conserved and there is a moderate physicochemical difference between arginine and threonine.